The following is an entry in ClinVar:

ClinVar aggregate classification (germline): Uncertain significance. Review status: criteria provided, multiple submitters, no conflicts (2 of 4 stars). 4 submissions from 4 submitters: Uncertain significance (3). 1 of the submissions does not count toward it. Last evaluated 2025-10-17.

Conditions:
Inborn genetic diseases. Identifiers: MedGen C0950123, MeSH D030342.
Finnish congenital nephrotic syndrome (NPHS1). Also called: NEPHROTIC SYNDROME, TYPE 1. Identifiers: Orphanet 839, MedGen C0403399, MONDO:0009732, OMIM 256300.

Allele frequency attached by ClinVar (database versions not stated): gnomAD exomes below 0.00001 and 0.00001; ExAC 0.00002.

Submissions (4):

Ambry Genetics
Classification: Uncertain significance for Inborn genetic diseases. Last evaluated: 2025-10-17. Review status: criteria provided, single submitter. Criteria: Ambry Variant Classification Scheme 2023. Collection method: clinical testing. Allele origin: germline.

Fulgent Genetics
Classification: Uncertain significance for Finnish congenital nephrotic syndrome. Last evaluated: 2024-06-10. Review status: criteria provided, single submitter. Criteria: ACMG Guidelines, 2015. Collection method: clinical testing. Allele origin: germline.

Labcorp Genetics (formerly Invitae), Labcorp
Classification: Uncertain significance. Last evaluated: 2021-09-01. Review status: criteria provided, single submitter. Criteria: Invitae Variant Classification Sherloc (09022015). Collection method: clinical testing. Allele origin: germline.
Comment: This sequence change replaces serine with threonine at codon 209 of the NPHS1 protein (p.Ser209Thr). The serine residue is moderately conserved and there is a small physicochemical difference between serine and threonine. This variant is present in population databases (rs749219077, ExAC 0.02%). This variant has not been reported in the literature in individuals affected with NPHS1-related conditions. Algorithms developed to predict the effect of missense changes on protein structure and function are either unavailable or do not agree on the potential impact of this missense change (SIFT: "Tolerated"; PolyPhen-2: "Probably Damaging"; Align-GVGD: "Class C0"). In summary, the available evidence is currently insufficient to determine the role of this variant in disease. Therefore, it has been classified as a Variant of Uncertain Significance.

Natera, Inc.
Classification: Uncertain significance for Finnish congenital nephrotic syndrome. Last evaluated: 2020-05-26. Review status: no assertion criteria provided. Collection method: clinical testing. Allele origin: germline. Not counted in ClinVar's aggregate classification.

NM_004646.4(NPHS1):c.625T>A (p.Ser209Thr)

Gene: NPHS1 (NPHS1 adhesion molecule, nephrin; minus strand). Cytogenetic location: 19q13.12.
Variant type: single nucleotide variant.
Coding change: c.625T>A on transcript NM_004646.4 (MANE Select); coding-DNA position 625, T replaced by A.
Protein change: p.Ser209Thr; replaces serine 209 with threonine.
Molecular consequence: missense variant.
Genome position (GRCh38, 1-based): chr19:35,849,637, A>T on the plus strand (T>A on the coding strand, the complement: NPHS1 is on the minus strand). VCF-style: chr19-35849637-A-T. GRCh37 (hg19) VCF-style: chr19-36340539-A-T.
Other names: c.625T>A (NM_004646.3); short protein forms S209T.
Identifiers: ClinVar variation 1009824 (VCV001009824.10), dbSNP rs749219077, ClinGen allele CA9390713.